The following is an entry in ClinVar:

NM_000059.4(BRCA2):c.3766C>T (p.His1256Tyr)

Gene: BRCA2 (BRCA2 DNA repair associated; plus strand). Cytogenetic location: 13q13.1.
Variant type: single nucleotide variant.
Coding change: c.3766C>T on transcript NM_000059.4 (MANE Select); coding-DNA position 3766, C replaced by T.
Protein change: p.His1256Tyr; replaces histidine 1256 with tyrosine.
Molecular consequence: missense variant.
Genome position (GRCh38, 1-based): chr13:32,338,121, C>T. VCF-style: chr13-32338121-C-T. GRCh37 (hg19) VCF-style: chr13-32912258-C-T.
Other names: c.3766C>T, p.His1256Tyr (NM_001406719.1, NM_001406720.1); short protein forms H1256Y.
Identifiers: ClinVar variation 2016372 (VCV002016372.9), dbSNP rs2137499777, ClinGen allele CA387778240.
Genomic context (GRCh38, chr13:32,338,121, plus strand): 5'-AAAGCTGTGAAACTGTTTAGTGATATTGAGAATATTAGTGAGGAAACTTCTGCAGAGGTA[C>T]ATCCAATAAGTTTATCTTCAAGTAAATGTCATGATTCTGTTGTTTCAATGTTTAAGATAG-3'
Protein context (NP_000050.3, residues 1246-1266): NISEETSAEV[His1256Tyr]PISLSSSKCH

ClinVar aggregate classification (germline): Conflicting classifications of pathogenicity. Review status: criteria provided, conflicting classifications (1 of 4 stars). 5 submissions from 5 submitters: Uncertain significance (3); Likely benign (2). Last evaluated 2026-08-19.

Conditions:
BRCA2-related cancer predisposition. Identifiers: MedGen CN377758, MONDO:0700269.
Hereditary cancer-predisposing syndrome. Also called: Hereditary neoplastic syndrome; Neoplastic Syndromes, Hereditary; Tumor predisposition; Hereditary Cancer Syndrome. Identifiers: Orphanet 140162, MedGen C0027672, MeSH D009386, MONDO:0015356.
Hereditary breast ovarian cancer syndrome. Also called: Hereditary breast and ovarian cancer syndrome (HBOC); Hereditary breast and ovarian cancer; Breast and ovarian cancer; Hereditary breast and/or ovarian cancer syndrome; Hereditary breast and ovarian cancer syndrome; BRCA1- and BRCA2-Associated Hereditary Breast and Ovarian Cancer. Identifiers: Orphanet 145, MedGen C0677776, MeSH D061325, MONDO:0003582. Disease mechanism: loss of function.

Allele frequency attached by ClinVar (database versions not stated): gnomAD exomes below 0.00001.
gnomAD v4.1: 3 of 1,608,168 alleles (0.00019%); highest among the groups gnomAD compares: Admixed American, 0.0017%; no homozygotes.

Submissions (5):

Ambry Genetics
Classification: Likely benign for Hereditary cancer-predisposing syndrome. Last evaluated: 2026-08-19. Review status: criteria provided, single submitter. Criteria: Ambry Variant Classification Scheme 2023. Collection method: clinical testing. Allele origin: germline.

Women's Health and Genetics/Laboratory Corporation of America, LabCorp
Classification: Uncertain significance. Last evaluated: 2026-04-17. Review status: criteria provided, single submitter. Criteria: LabCorp Variant Classification Summary - May 2015. Collection method: clinical testing. Allele origin: germline.
Comment: Variant summary: BRCA2 c.3766C>T (p.His1256Tyr) results in a conservative amino acid change in the encoded protein sequence. Algorithms developed to predict the effect of missense changes on protein structure and function all suggest that this variant is likely to be tolerated. The variant was absent in 245592 control chromosomes. The available data on variant occurrences in the general population are insufficient to allow any conclusion about variant significance. To our knowledge, no occurrence of c.3766C>T in individuals affected with BRCA2-related conditions and no experimental evidence demonstrating its impact on protein function have been reported. ClinVar contains an entry for this variant (Variation ID: 2016372). Based on the evidence outlined above, the variant was classified as uncertain significance.

Labcorp Genetics (formerly Invitae), Labcorp
Classification: Uncertain significance for Hereditary breast ovarian cancer syndrome. Last evaluated: 2025-12-09. Review status: criteria provided, single submitter. Criteria: Invitae Variant Classification Sherloc (09022015). Collection method: clinical testing. Allele origin: germline.
Comment: This sequence change replaces histidine, which is basic and polar, with tyrosine, which is neutral and polar, at codon 1256 of the BRCA2 protein (p.His1256Tyr). This variant is not present in population databases (gnomAD no frequency). This variant has not been reported in the literature in individuals affected with BRCA2-related conditions. ClinVar contains an entry for this variant (Variation ID: 2016372). Invitae Evidence Modeling of protein sequence and biophysical properties (such as structural, functional, and spatial information, amino acid conservation, physicochemical variation, residue mobility, and thermodynamic stability) indicates that this missense variant is not expected to disrupt BRCA2 protein function with a negative predictive value of 95%. In summary, the available evidence is currently insufficient to determine the role of this variant in disease. Therefore, it has been classified as a Variant of Uncertain Significance.

Department of Pathology and Laboratory Medicine, Sinai Health System
Classification: Uncertain significance for BRCA2-related cancer predisposition. Last evaluated: 2023-09-19. Review status: criteria provided, single submitter. Criteria: ACMG Guidelines, 2015. Collection method: clinical testing. Allele origin: germline. Affected: yes.

University of Washington Department of Laboratory Medicine, University of Washington
Classification: Likely benign for Hereditary cancer-predisposing syndrome. Last evaluated: 2023-03-23. Review status: criteria provided, single submitter. Criteria: Dines et al. (Genet Med. 2020). Collection method: curation. Allele origin: germline.
Comment: Missense variant in a coldspot region where missense variants are very unlikely to be pathogenic (PMID:31911673).

BRCA2 exon 11 coldspot. Reclassification based on statistical prior probability.